The following is an entry in ClinVar:

ClinVar aggregate classification (germline): Uncertain significance. Review status: criteria provided, multiple submitters, no conflicts (2 of 4 stars). 2 submissions from 2 submitters: Uncertain significance (2). Last evaluated 2021-09-01.

Conditions:
Combined oxidative phosphorylation defect type 27. Also called: Combined oxidative phosphorylation deficiency 27. Identifiers: Orphanet 477774, MedGen C5567608, MONDO:0014728, OMIM 616672.
Inborn genetic diseases. Identifiers: MedGen C0950123, MeSH D030342.

Allele frequency attached by ClinVar (database versions not stated): gnomAD 0.00001; TOPMed 0.00002.
gnomAD v4.1: 8 of 1,556,766 alleles (0.00051%); highest among the groups gnomAD compares: Non-Finnish European, 0.00071%; no homozygotes.

Submissions (2):

Ambry Genetics
Classification: Uncertain significance for Inborn genetic diseases. Last evaluated: 2021-09-01. Review status: criteria provided, single submitter. Criteria: Ambry Variant Classification Scheme 2023. Collection method: clinical testing. Allele origin: germline.

Labcorp Genetics (formerly Invitae), Labcorp
Classification: Uncertain significance for Combined oxidative phosphorylation defect type 27. Last evaluated: 2020-04-01. Review status: criteria provided, single submitter. Criteria: Invitae Variant Classification Sherloc (09022015). Collection method: clinical testing. Allele origin: germline.
Comment: In summary, the available evidence is currently insufficient to determine the role of this variant in disease. Therefore, it has been classified as a Variant of Uncertain Significance. Algorithms developed to predict the effect of missense changes on protein structure and function (SIFT, PolyPhen-2, Align-GVGD) all suggest that this variant is likely to be disruptive, but these predictions have not been confirmed by published functional studies and their clinical significance is uncertain. This variant has not been reported in the literature in individuals with CARS2-related conditions. This variant is present in population databases (rs777672253, ExAC 0.003%). This sequence change replaces arginine with glycine at codon 101 of the CARS2 protein (p.Arg101Gly). The arginine residue is moderately conserved and there is a moderate physicochemical difference between arginine and glycine.

NM_024537.4(CARS2):c.301C>G (p.Arg101Gly)

Gene: CARS2 (cysteinyl-tRNA synthetase 2, mitochondrial; minus strand). Cytogenetic location: 13q34.
Variant type: single nucleotide variant.
Coding change: c.301C>G on transcript NM_024537.4 (MANE Select); coding-DNA position 301, C replaced by G.
Protein change: p.Arg101Gly; replaces arginine 101 with glycine.
Molecular consequence: missense variant. On other transcripts: 5 prime UTR variant (1), non-coding transcript variant (2).
Genome position (GRCh38, 1-based): chr13:110,701,530, G>C on the plus strand (C>G on the coding strand, the complement: CARS2 is on the minus strand). VCF-style: chr13-110701530-G-C. GRCh37 (hg19) VCF-style: chr13-111353877-G-C.
Other names: c.301C>G (NM_024537.2); c.-699C>G (NM_001352252.2); c.301C>G, p.Arg101Gly (NM_001352253.3); short protein forms R101G.
Identifiers: ClinVar variation 934416 (VCV000934416.10), dbSNP rs777672253, ClinGen allele CA7052314.